The following is an entry in ClinVar:

ClinVar aggregate classification (germline): Uncertain significance (1 of 4 stars; one submission).

Conditions:
Familial cold autoinflammatory syndrome 3 (FCAS3). Also called: ANTIBODY DEFICIENCY AND IMMUNE DYSREGULATION, PLCG2-ASSOCIATED; FAMILIAL ATYPICAL COLD URTICARIA. Identifiers: Orphanet 300359, MedGen C3280914, MONDO:0013766, OMIM 614468.

Submission:

Labcorp Genetics (formerly Invitae), Labcorp
Classification: Uncertain significance for Familial cold autoinflammatory syndrome 3. Last evaluated: 2018-06-19. Review status: criteria provided, single submitter. Criteria: Invitae Variant Classification Sherloc (09022015). Collection method: clinical testing. Allele origin: germline.
Comment: This variant is an out-of-frame deletion of the genomic region encompassing exons 3-5 of the PLCG2 gene. This is expected to create a premature translational stop signal and result in an absent or disrupted protein product. In summary, the available evidence is currently insufficient to determine the role of this variant in disease. Therefore, it has been classified as a Variant of Uncertain Significance. The current clinical and genetic evidence is not sufficient to establish whether loss-of-function variants in PLCG2 cause disease. This variant has not been reported in the literature in individuals with PLCG2-related disease.

NC_000016.10:g.(?_81854424)_(81859183_?)del

Gene: PLCG2 (phospholipase C gamma 2; plus strand). Cytogenetic location: 16q23.3.
Variant type: Deletion.
Identifiers: ClinVar variation 584181 (VCV000584181.5).